The following is an entry in ClinVar:

ClinVar aggregate classification (germline): Uncertain significance (1 of 4 stars; one submission).

Conditions:
Primary ciliary dyskinesia. Also called: Ciliary dyskinesia. Identifiers: Orphanet 244, MedGen C0008780, MONDO:0016575, HP:0012265.

Submission:

Labcorp Genetics (formerly Invitae), Labcorp
Classification: Uncertain significance for Primary ciliary dyskinesia. Last evaluated: 2023-05-22. Review status: criteria provided, single submitter. Criteria: Invitae Variant Classification Sherloc (09022015). Collection method: clinical testing. Allele origin: germline.
Comment: In summary, the available evidence is currently insufficient to determine the role of this variant in disease. Therefore, it has been classified as a Variant of Uncertain Significance. Algorithms developed to predict the effect of sequence changes on RNA splicing suggest that this variant may disrupt the consensus splice site. ClinVar contains an entry for this variant (Variation ID: 2076735). This variant has not been reported in the literature in individuals affected with DNAH8-related conditions. This variant is not present in population databases (gnomAD no frequency). This sequence change falls in intron 41 of the DNAH8 gene. It does not directly change the encoded amino acid sequence of the DNAH8 protein.

NM_001206927.2(DNAH8):c.5734-10G>A

Gene: DNAH8 (dynein axonemal heavy chain 8; plus strand). Cytogenetic location: 6p21.2.
Variant type: single nucleotide variant.
Coding change: c.5734-10G>A on transcript NM_001206927.2 (MANE Select); 10 bases into the intron before coding-DNA position 5734, G replaced by A.
Molecular consequence: intron variant.
Genome position (GRCh38, 1-based): chr6:38,857,508, G>A. VCF-style: chr6-38857508-G-A. GRCh37 (hg19) VCF-style: chr6-38825284-G-A.
Other names: c.5083-10G>A (NM_001371.4).
Identifiers: ClinVar variation 2076735 (VCV002076735.4), dbSNP rs2532948417, ClinGen allele CA2580074468.
Genomic context (GRCh38, chr6:38,857,508, plus strand): 5'-CCACCAAATTTTATTGCAGATGTGCTTTAAATATTTGGCAAATTTTAATATTTTTCTGCT[G>A]GATCTGTAGGTTGGACTTCTGGGAATTCAGATGTTGTGGACACACGATTCAGAAGAGGCT-3'